The following is an entry in ClinVar:

NM_000260.4(MYO7A):c.5241C>G (p.His1747Gln)

Gene: MYO7A (myosin VIIA; plus strand). Cytogenetic location: 11q13.5.
Variant type: single nucleotide variant.
Coding change: c.5241C>G on transcript NM_000260.4 (MANE Select); coding-DNA position 5241, C replaced by G.
Protein change: p.His1747Gln; replaces histidine 1747 with glutamine.
Molecular consequence: missense variant.
Genome position (GRCh38, 1-based): chr11:77,203,132, C>G. VCF-style: chr11-77203132-C-G. GRCh37 (hg19) VCF-style: chr11-76914177-C-G.
Other names: c.5127C>G, p.His1709Gln (NM_001127180.2); c.5094C>G, p.His1698Gln (NM_001369365.1); short protein forms H1698Q, H1747Q, H1709Q.
Identifiers: ClinVar variation 2124991 (VCV002124991.1), dbSNP rs1200395627, ClinGen allele CA381952218.

ClinVar aggregate classification (germline): Uncertain significance (1 of 4 stars; one submission).

Allele frequency attached by ClinVar (database versions not stated): gnomAD exomes 0.00001.
gnomAD v4.1: 4 of 1,550,452 alleles (0.00026%); highest among the groups gnomAD compares: South Asian, 0.0048%; 1 homozygote.

Submission:

Labcorp Genetics (formerly Invitae), Labcorp
Classification: Uncertain significance. Last evaluated: 2022-04-11. Review status: criteria provided, single submitter. Criteria: Invitae Variant Classification Sherloc (09022015). Collection method: clinical testing. Allele origin: germline.
Comment: This sequence change replaces histidine, which is basic and polar, with glutamine, which is neutral and polar, at codon 1747 of the MYO7A protein (p.His1747Gln). The frequency data for this variant in the population databases is considered unreliable, as metrics indicate poor data quality at this position in the gnomAD database. This variant has not been reported in the literature in individuals affected with MYO7A-related conditions. Advanced modeling of protein sequence and biophysical properties (such as structural, functional, and spatial information, amino acid conservation, physicochemical variation, residue mobility, and thermodynamic stability) performed at Invitae indicates that this missense variant is not expected to disrupt MYO7A protein function. In summary, the available evidence is currently insufficient to determine the role of this variant in disease. Therefore, it has been classified as a Variant of Uncertain Significance.